The following is an entry in ClinVar:

NM_006206.6(PDGFRA):c.2132A>C (p.Asn711Thr)

Gene: PDGFRA (platelet derived growth factor receptor alpha; plus strand). Cytogenetic location: 4q12.
Variant type: single nucleotide variant.
Coding change: c.2132A>C on transcript NM_006206.6 (MANE Select); coding-DNA position 2132, A replaced by C.
Protein change: p.Asn711Thr; replaces asparagine 711 with threonine.
Molecular consequence: missense variant.
Genome position (GRCh38, 1-based): chr4:54,278,491, A>C. VCF-style: chr4-54278491-A-C. GRCh37 (hg19) VCF-style: chr4-55144658-A-C.
Other names: c.2132A>C, p.Asn711Thr (NM_001347827.2, NM_001347829.2); c.2207A>C, p.Asn736Thr (NM_001347828.2); c.2171A>C, p.Asn724Thr (NM_001347830.2); short protein forms N711T, N724T, N736T.
Identifiers: ClinVar variation 4665386 (VCV004665386.1).

ClinVar aggregate classification (germline): Uncertain significance (1 of 4 stars; one submission).

Conditions:
Hereditary cancer-predisposing syndrome. Also called: Neoplastic Syndromes, Hereditary; Tumor predisposition; Hereditary Cancer Syndrome; Hereditary neoplastic syndrome. Identifiers: Orphanet 140162, MedGen C0027672, MeSH D009386, MONDO:0015356.

Submission:

Ambry Genetics
Classification: Uncertain significance for Hereditary cancer-predisposing syndrome. Last evaluated: 2025-12-09. Review status: criteria provided, single submitter. Criteria: Ambry Variant Classification Scheme 2023. Collection method: clinical testing. Allele origin: germline.
Comment: The p.N711T variant (also known as c.2132A>C), located in coding exon 14 of the PDGFRA gene, results from an A to C substitution at nucleotide position 2132. The asparagine at codon 711 is replaced by threonine, an amino acid with similar properties. This amino acid position is well conserved in available vertebrate species. In addition, this alteration is predicted to be tolerated by in silico analysis. Based on the available evidence, the clinical significance of this variant remains unclear.